The following is an entry in ClinVar:

NM_012079.6(DGAT1):c.655C>T (p.Arg219Cys)

Gene: DGAT1 (diacylglycerol O-acyltransferase 1; minus strand). Cytogenetic location: 8q24.3.
Variant type: single nucleotide variant.
Coding change: c.655C>T on transcript NM_012079.6 (MANE Select); coding-DNA position 655, C replaced by T.
Protein change: p.Arg219Cys; replaces arginine 219 with cysteine.
Molecular consequence: missense variant.
Genome position (GRCh38, 1-based): chr8:144,318,282, G>A on the plus strand (C>T on the coding strand, the complement: DGAT1 is on the minus strand). VCF-style: chr8-144318282-G-A. GRCh37 (hg19) VCF-style: chr8-145541945-G-A.
Other names: short protein forms R219C.
Identifiers: ClinVar variation 1367600 (VCV001367600.3), dbSNP rs782313741, ClinGen allele CA4936931.

ClinVar aggregate classification (germline): Uncertain significance (1 of 4 stars; one submission).

Allele frequency attached by ClinVar (database versions not stated): TOPMed 0.00001; ExAC 0.00003; gnomAD exomes 0.00003 and 0.00006.

Submission:

Labcorp Genetics (formerly Invitae), Labcorp
Classification: Uncertain significance. Last evaluated: 2022-06-24. Review status: criteria provided, single submitter. Criteria: Invitae Variant Classification Sherloc (09022015). Collection method: clinical testing. Allele origin: germline.
Comment: This sequence change replaces arginine, which is basic and polar, with cysteine, which is neutral and slightly polar, at codon 219 of the DGAT1 protein (p.Arg219Cys). This variant is present in population databases (rs782313741, gnomAD 0.01%). This variant has not been reported in the literature in individuals affected with DGAT1-related conditions. Algorithms developed to predict the effect of missense changes on protein structure and function (SIFT, PolyPhen-2, Align-GVGD) all suggest that this variant is likely to be disruptive. Algorithms developed to predict the effect of sequence changes on RNA splicing suggest that this variant may create or strengthen a splice site. In summary, the available evidence is currently insufficient to determine the role of this variant in disease. Therefore, it has been classified as a Variant of Uncertain Significance.